The following is an entry in ClinVar:

ClinVar aggregate classification (germline): Conflicting classifications of pathogenicity. Review status: criteria provided, conflicting classifications (1 of 4 stars). 4 submissions from 3 submitters: Uncertain significance (3); Likely benign (1). Last evaluated 2025-11-11.

Conditions:
Thrombophilia due to thrombin defect (THPH1). Also called: Prothrombin Thrombophilia; Thrombosis susceptibility; THROMBOPHILIA DUE TO FACTOR 2 DEFECT; Prothrombin-Related Thrombophilia (Factor II). Identifiers: MedGen C3160733, MONDO:0008559, OMIM 188050. Disease mechanism: gain of function, loss of function.
Inborn genetic diseases. Identifiers: MedGen C0950123, MeSH D030342.
Congenital prothrombin deficiency. Also called: Factor II deficiency; Hereditary factor II deficiency disease; HYPOPROTHROMBINEMIA; Inherited hypoprothrombinemia; Congenital factor II deficiency; Inherited prothrombin deficiency. Identifiers: Orphanet 325, MedGen C0272317, MONDO:0013361, OMIM 613679.

Allele frequency attached by ClinVar (database versions not stated): ExAC 0.00001; gnomAD exomes 0.00001 and 0.00002; TOPMed 0.00002; gnomAD 0.00004; 1000 Genomes Project 30x 0.00016; 1000 Genomes Project 0.00020.

Submissions (4):

Labcorp Genetics (formerly Invitae), Labcorp
Classification: Uncertain significance for Congenital prothrombin deficiency. Last evaluated: 2025-11-11. Review status: criteria provided, single submitter. Criteria: Invitae Variant Classification Sherloc (09022015). Collection method: clinical testing. Allele origin: germline.
Comment: This sequence change replaces serine, which is neutral and polar, with leucine, which is neutral and non-polar, at codon 331 of the F2 protein (p.Ser331Leu). This variant is present in population databases (rs200812621, gnomAD 0.01%). This variant has not been reported in the literature in individuals affected with F2-related conditions. ClinVar contains an entry for this variant (Variation ID: 304815). Invitae Evidence Modeling of protein sequence and biophysical properties (such as structural, functional, and spatial information, amino acid conservation, physicochemical variation, residue mobility, and thermodynamic stability) indicates that this missense variant is not expected to disrupt F2 protein function with a negative predictive value of 80%. In summary, the available evidence is currently insufficient to determine the role of this variant in disease. Therefore, it has been classified as a Variant of Uncertain Significance.

Ambry Genetics
Classification: Likely benign for Inborn genetic diseases. Last evaluated: 2024-10-16. Review status: criteria provided, single submitter. Criteria: Ambry Variant Classification Scheme 2023. Collection method: clinical testing. Allele origin: germline.

Illumina Laboratory Services, Illumina
Classification: Uncertain significance for Thrombophilia due to thrombin defect. Last evaluated: 2018-01-13. Review status: criteria provided, single submitter. Criteria: ICSL Variant Classification Criteria 13 December 2019. Collection method: clinical testing. Allele origin: germline.

Illumina Laboratory Services, Illumina
Classification: Uncertain significance for Congenital prothrombin deficiency. Last evaluated: 2018-01-13. Review status: criteria provided, single submitter. Criteria: ICSL Variant Classification Criteria 13 December 2019. Collection method: clinical testing. Allele origin: germline.

NM_000506.5(F2):c.992C>T (p.Ser331Leu)

Gene: F2 (coagulation factor II, thrombin; plus strand). Cytogenetic location: 11p11.2.
Variant type: single nucleotide variant.
Coding change: c.992C>T on transcript NM_000506.5 (MANE Select); coding-DNA position 992, C replaced by T.
Protein change: p.Ser331Leu; replaces serine 331 with leucine.
Molecular consequence: missense variant.
Genome position (GRCh38, 1-based): chr11:46,726,615, C>T. VCF-style: chr11-46726615-C-T. GRCh37 (hg19) VCF-style: chr11-46748165-C-T.
Other names: short protein forms S331L.
Identifiers: ClinVar variation 304815 (VCV000304815.7), dbSNP rs200812621, ClinGen allele CA5967119.